The following is an entry in ClinVar:

NM_012330.4(KAT6B):c.4492G>T (p.Ala1498Ser)

Gene: KAT6B (lysine acetyltransferase 6B; plus strand). Cytogenetic location: 10q22.2.
Variant type: single nucleotide variant.
Coding change: c.4492G>T on transcript NM_012330.4 (MANE Select); coding-DNA position 4492, G replaced by T.
Protein change: p.Ala1498Ser; replaces alanine 1498 with serine.
Molecular consequence: missense variant.
Genome position (GRCh38, 1-based): chr10:75,029,316, G>T. VCF-style: chr10-75029316-G-T. GRCh37 (hg19) VCF-style: chr10-76789074-G-T.
Other names: c.3943G>T, p.Ala1315Ser (NM_001256468.2, NM_001370138.1); c.3616G>T, p.Ala1206Ser (NM_001256469.2, NM_001370139.1, NM_001370140.1 and 2 more transcripts); c.3454G>T, p.Ala1152Ser (NM_001370132.1); c.2803G>T, p.Ala935Ser (NM_001370133.1); c.2407G>T, p.Ala803Ser (NM_001370134.1); c.2149G>T, p.Ala717Ser (NM_001370135.1); c.4492G>T, p.Ala1498Ser (NM_001370136.1, NM_001370137.1); c.3427G>T, p.Ala1143Ser (NM_001370143.1, NM_001370144.1); and 1 more; short protein forms A1498S, A935S, A1152S, A1315S, A803S, A1143S, A1206S, A717S.
Identifiers: ClinVar variation 2919453 (VCV002919453.4), dbSNP rs760653122, ClinGen allele CA209709923.

ClinVar aggregate classification (germline): Uncertain significance. Review status: criteria provided, multiple submitters, no conflicts (2 of 4 stars). 2 submissions from 2 submitters: Uncertain significance (2). Last evaluated 2024-08-01.

Conditions:
Genitopatellar syndrome (GTPTS). Also called: ABSENT PATELLAE, SCROTAL HYPOPLASIA, RENAL ANOMALIES, FACIAL DYSMORPHISM, AND MENTAL RETARDATION; Genitopatellar syndrome (GPS). Identifiers: Orphanet 85201, MedGen C1853566, MONDO:0011640, OMIM 606170.

gnomAD v4.1: 2 of 1,614,104 alleles (0.00012%); highest among the groups gnomAD compares: Non-Finnish European, 0.00017%; no homozygotes.

Submissions (2):

GeneDx
Classification: Uncertain significance. Last evaluated: 2024-08-01. Review status: criteria provided, single submitter. Criteria: GeneDx Variant Classification Process June 2021. Collection method: clinical testing. Allele origin: germline. Affected: yes.
Comment: Not observed at significant frequency in large population cohorts (gnomAD); In silico analysis indicates that this missense variant does not alter protein structure/function; Has not been previously published as pathogenic or benign to our knowledge

Labcorp Genetics (formerly Invitae), Labcorp
Classification: Uncertain significance for Genitopatellar syndrome. Last evaluated: 2024-01-30. Review status: criteria provided, single submitter. Criteria: Invitae Variant Classification Sherloc (09022015). Collection method: clinical testing. Allele origin: germline.
Comment: This sequence change replaces alanine, which is neutral and non-polar, with serine, which is neutral and polar, at codon 1498 of the KAT6B protein (p.Ala1498Ser). This variant is not present in population databases (gnomAD no frequency). This variant has not been reported in the literature in individuals affected with KAT6B-related conditions. Advanced modeling of protein sequence and biophysical properties (such as structural, functional, and spatial information, amino acid conservation, physicochemical variation, residue mobility, and thermodynamic stability) performed at Invitae indicates that this missense variant is not expected to disrupt KAT6B protein function with a negative predictive value of 80%. In summary, the available evidence is currently insufficient to determine the role of this variant in disease. Therefore, it has been classified as a Variant of Uncertain Significance.